The following is an entry in ClinVar:

NM_144997.7(FLCN):c.872-16G>T

Gene: FLCN (folliculin; minus strand). Cytogenetic location: 17p11.2.
Variant type: single nucleotide variant.
Coding change: c.872-16G>T on transcript NM_144997.7 (MANE Select); 16 bases into the intron before coding-DNA position 872, G replaced by T.
Molecular consequence: intron variant.
Genome position (GRCh38, 1-based): chr17:17,219,225, C>A on the plus strand (G>T on the coding strand, the complement: FLCN is on the minus strand). VCF-style: chr17-17219225-C-A. GRCh37 (hg19) VCF-style: chr17-17122539-C-A.
Other names: c.872-16G>T (NM_001353231.2, NM_001353230.2); c.926-16G>T (NM_001353229.2).
Identifiers: ClinVar variation 3773059 (VCV003773059.1).

ClinVar aggregate classification (germline): Likely benign (1 of 4 stars; one submission).

Conditions:
Birt-Hogg-Dube syndrome 1 (BHD1). Also called: FIBROFOLLICULOMAS WITH TRICHODISCOMAS AND ACROCHORDONS. Identifiers: Orphanet 122, MedGen CN375946, MONDO:0800445, OMIM 135150.

Submission:

Myriad Genetics, Inc.
Classification: Likely benign for Birt-Hogg-Dube syndrome 1. Last evaluated: 2024-10-23. Review status: criteria provided, single submitter. Criteria: Myriad Autosomal Dominant, Autosomal Recessive and X-Linked Classification Criteria (2023). Collection method: clinical testing. Allele origin: unknown.
Comment: This variant is considered likely benign. This variant is intronic and is not expected to impact mRNA splicing.